The following is an entry in ClinVar:

NM_017534.6(MYH2):c.3931A>C (p.Lys1311Gln)

Genes: MYH2 (myosin heavy chain 2; minus strand), MYHAS (myosin heavy chain gene cluster antisense RNA; plus strand). Cytogenetic location: 17p13.1.
Variant type: single nucleotide variant.
Coding change: c.3931A>C on transcript NM_017534.6 (MANE Select); coding-DNA position 3931, A replaced by C.
Protein change: p.Lys1311Gln; replaces lysine 1311 with glutamine.
Molecular consequence: missense variant.
Genome position (GRCh38, 1-based): chr17:10,526,997, T>G on the plus strand (A>C on the coding strand, the complement: MYH2 is on the minus strand). VCF-style: chr17-10526997-T-G. GRCh37 (hg19) VCF-style: chr17-10430314-T-G.
Other names: c.3931A>C, p.Lys1311Gln (NM_001100112.2); short protein forms K1311Q.
Identifiers: ClinVar variation 4695140 (VCV004695140.1).

ClinVar aggregate classification (germline): Uncertain significance (1 of 4 stars; one submission).

Conditions:
Myopathy, proximal, and ophthalmoplegia (CMYO6). Also called: INCLUSION BODY MYOPATHY 3, AUTOSOMAL DOMINANT; MYOPATHY WITH CONGENITAL JOINT CONTRACTURES, OPHTHALMOPLEGIA, AND RIMMED VACUOLES; CONGENITAL MYOPATHY 6 WITH OPHTHALMOPLEGIA. Identifiers: Orphanet 363677, Orphanet 79091, MedGen C1854106, MONDO:0011577, OMIM 605637.

gnomAD v4.1: 2 of 1,614,212 alleles (0.00012%); highest among the groups gnomAD compares: Non-Finnish European, 0.00017%; no homozygotes.

Submission:

Labcorp Genetics (formerly Invitae), Labcorp
Classification: Uncertain significance for Myopathy, proximal, and ophthalmoplegia. Last evaluated: 2025-11-19. Review status: criteria provided, single submitter. Criteria: Invitae Variant Classification Sherloc (09022015). Collection method: clinical testing. Allele origin: germline.
Comment: This sequence change replaces lysine, which is basic and polar, with glutamine, which is neutral and polar, at codon 1311 of the MYH2 protein (p.Lys1311Gln). This variant is not present in population databases (gnomAD no frequency). This variant has not been reported in the literature in individuals affected with MYH2-related conditions. Invitae Evidence Modeling of protein sequence and biophysical properties (such as structural, functional, and spatial information, amino acid conservation, physicochemical variation, residue mobility, and thermodynamic stability) indicates that this missense variant is not expected to disrupt MYH2 protein function with a negative predictive value of 80%. In summary, the available evidence is currently insufficient to determine the role of this variant in disease. Therefore, it has been classified as a Variant of Uncertain Significance.